The following is an entry in ClinVar:

ClinVar aggregate classification (germline): Uncertain significance. Review status: criteria provided, multiple submitters, no conflicts (2 of 4 stars). 2 submissions from 2 submitters: Uncertain significance (2). Last evaluated 2025-06-10.

Conditions:
UCP3-related disorder. Also called: UCP3-related condition.

Allele frequency attached by ClinVar (database versions not stated): gnomAD 0.00001; gnomAD exomes 0.00001; TOPMed 0.00001; ExAC 0.00002.
gnomAD v4.1: 17 of 1,614,066 alleles (0.0011%); highest among the groups gnomAD compares: Middle Eastern, 0.049%; no homozygotes.

Submissions (2):

PreventionGenetics, part of Exact Sciences
Classification: Uncertain significance for UCP3-related condition. Last evaluated: 2025-06-10. Review status: criteria provided, single submitter. Criteria: ACMG Guidelines, 2015. Collection method: clinical testing. Allele origin: germline.
Comment: The UCP3 c.424G>A variant is predicted to result in the amino acid substitution p.Val142Ile. To our knowledge, this variant has not been reported in the literature. This variant is reported in 0.0018% of alleles in individuals of European (Non-Finnish) descent in gnomAD. At this time, the clinical significance of this variant is uncertain due to the absence of conclusive functional and genetic evidence.

Ambry Genetics
Classification: Uncertain significance. Last evaluated: 2025-04-10. Review status: criteria provided, single submitter. Criteria: Ambry Variant Classification Scheme 2023. Collection method: clinical testing. Allele origin: germline.

NM_003356.4(UCP3):c.424G>A (p.Val142Ile)

Gene: UCP3 (uncoupling protein 3; minus strand). Cytogenetic location: 11q13.4.
Variant type: single nucleotide variant.
Coding change: c.424G>A on transcript NM_003356.4 (MANE Select); coding-DNA position 424, G replaced by A.
Protein change: p.Val142Ile; replaces valine 142 with isoleucine.
Molecular consequence: missense variant.
Genome position (GRCh38, 1-based): chr11:74,005,847, C>T on the plus strand (G>A on the coding strand, the complement: UCP3 is on the minus strand). VCF-style: chr11-74005847-C-T. GRCh37 (hg19) VCF-style: chr11-73716892-C-T.
Other names: c.424G>A, p.Val142Ile (NM_022803.3); short protein forms V142I.
Identifiers: ClinVar variation 2636078 (VCV002636078.3), dbSNP rs771978130, ClinGen allele CA6181489.
Genomic context (GRCh38, chr11:74,005,847, plus strand): 5'-TCCCGCTGTATTTTCTGTCGCTCCTGGATGGCCCGAGGTGTATGCTGGCCTGAAATCGGA[C>T]CTTCACCACATCTGTGGGCTGGGCACAGGTCACCGCCATGGCTCCTGTGGTGCAGCCGGC-3'
Protein context (NP_003347.1, residues 132-152): TCAQPTDVVK[Val142Ile]RFQASIHLGP